The following is an entry in ClinVar:

ClinVar aggregate classification (germline): Uncertain significance (1 of 4 stars; one submission).

Conditions:
Hereditary cancer-predisposing syndrome. Also called: Neoplastic Syndromes, Hereditary; Tumor predisposition; Hereditary neoplastic syndrome; Hereditary Cancer Syndrome. Identifiers: Orphanet 140162, MedGen C0027672, MeSH D009386, MONDO:0015356.

Submission:

Ambry Genetics
Classification: Uncertain significance for Hereditary cancer-predisposing syndrome. Last evaluated: 2026-07-11. Review status: criteria provided, single submitter. Criteria: Ambry Variant Classification Scheme 2023. Collection method: clinical testing. Allele origin: germline.
Comment: The p.Y1540H variant (also known as c.4618T>C), located in coding exon 35 of the TSC2 gene, results from a T to C substitution at nucleotide position 4618. The tyrosine at codon 1540 is replaced by histidine, an amino acid with similar properties. This amino acid position is conserved. In addition, this alteration is predicted to be deleterious by in silico analysis. Based on the available evidence, the clinical significance of this variant remains unclear.

NM_000548.5(TSC2):c.4618T>C (p.Tyr1540His)

Gene: TSC2 (TSC complex subunit 2; plus strand). Cytogenetic location: 16p13.3.
Variant type: single nucleotide variant.
Coding change: c.4618T>C on transcript NM_000548.5 (MANE Select); coding-DNA position 4618, T replaced by C.
Protein change: p.Tyr1540His; replaces tyrosine 1540 with histidine.
Molecular consequence: missense variant. On other transcripts: non-coding transcript variant (5).
Genome position (GRCh38, 1-based): chr16:2,085,278, T>C. VCF-style: chr16-2085278-T-C. GRCh37 (hg19) VCF-style: chr16-2135279-T-C.
Other names: c.4417T>C, p.Tyr1473His (NM_001077183.3); c.4549T>C, p.Tyr1517His (NM_001114382.3); c.4309T>C, p.Tyr1437His (NM_001318827.2); c.4273T>C, p.Tyr1425His (NM_001318829.2); c.3886T>C, p.Tyr1296His (NM_001318831.2); c.4450T>C, p.Tyr1484His (NM_001318832.2); c.4420T>C, p.Tyr1474His (NM_001363528.2); c.4486T>C, p.Tyr1496His (NM_001370404.1); and 26 more; short protein forms Y1497H, Y1540H, Y939H, Y1049H, Y1274H, Y1436H, Y1496H, Y1504H.
Identifiers: ClinVar variation 5031283 (VCV005031283.1).